The following is an entry in ClinVar:

NM_004341.5(CAD):c.2473C>A (p.Arg825Ser)

Genes: CAD (carbamoyl-phosphate synthetase 2, aspartate transcarbamylase, and dihydroorotase; plus strand), LOC126806171 (BRD4-independent group 4 enhancer GRCh37_chr2:27454350-27455549; plus strand). Cytogenetic location: 2p23.3.
Variant type: single nucleotide variant.
Coding change: c.2473C>A on transcript NM_004341.5 (MANE Select); coding-DNA position 2473, C replaced by A.
Protein change: p.Arg825Ser; replaces arginine 825 with serine.
Molecular consequence: missense variant.
Genome position (GRCh38, 1-based): chr2:27,232,052, C>A. VCF-style: chr2-27232052-C-A. GRCh37 (hg19) VCF-style: chr2-27454920-C-A.
Other names: c.2284C>A, p.Arg762Ser (NM_001306079.2); short protein forms R762S, R825S.
Identifiers: ClinVar variation 1902886 (VCV001902886.3), dbSNP rs934023808, ClinGen allele CA346211367.

ClinVar aggregate classification (germline): Uncertain significance (1 of 4 stars; one submission).

gnomAD v4.1: 5 of 1,614,180 alleles (0.00031%); highest among the groups gnomAD compares: Non-Finnish European, 0.00042%; no homozygotes.

Submission:

Labcorp Genetics (formerly Invitae), Labcorp
Classification: Uncertain significance. Last evaluated: 2022-02-17. Review status: criteria provided, single submitter. Criteria: Invitae Variant Classification Sherloc (09022015). Collection method: clinical testing. Allele origin: germline.
Comment: This sequence change replaces arginine, which is basic and polar, with serine, which is neutral and polar, at codon 825 of the CAD protein (p.Arg825Ser). The frequency data for this variant in the population databases is considered unreliable, as metrics indicate poor data quality at this position in the gnomAD database. This variant has not been reported in the literature in individuals affected with CAD-related conditions. Algorithms developed to predict the effect of missense changes on protein structure and function are either unavailable or do not agree on the potential impact of this missense change (SIFT: "Deleterious"; PolyPhen-2: "Benign"; Align-GVGD: "Class C0"). In summary, the available evidence is currently insufficient to determine the role of this variant in disease. Therefore, it has been classified as a Variant of Uncertain Significance.